The following is an entry in ClinVar:

ClinVar aggregate classification (germline): Uncertain significance (1 of 4 stars; one submission).

Allele frequency attached by ClinVar (database versions not stated): ExAC 0.00001; TOPMed 0.00001.
gnomAD v4.1: 45 of 1,614,170 alleles (0.0028%); highest among the groups gnomAD compares: Non-Finnish European, 0.0037%; no homozygotes.

Submission:

Labcorp Genetics (formerly Invitae), Labcorp
Classification: Uncertain significance. Last evaluated: 2023-08-14. Review status: criteria provided, single submitter. Criteria: Invitae Variant Classification Sherloc (09022015). Collection method: clinical testing. Allele origin: germline.
Comment: This sequence change replaces threonine, which is neutral and polar, with isoleucine, which is neutral and non-polar, at codon 2333 of the TRIOBP protein (p.Thr2333Ile). This variant is present in population databases (rs759941661, gnomAD 0.0009%). In summary, the available evidence is currently insufficient to determine the role of this variant in disease. Therefore, it has been classified as a Variant of Uncertain Significance. An algorithm developed to predict the effect of missense changes on protein structure and function (PolyPhen-2) suggests that this variant is likely to be disruptive. This variant has not been reported in the literature in individuals affected with TRIOBP-related conditions.

NM_001039141.3(TRIOBP):c.6998C>T (p.Thr2333Ile)

Gene: TRIOBP (TRIO and F-actin binding protein; plus strand). Cytogenetic location: 22q13.1.
Variant type: single nucleotide variant.
Coding change: c.6998C>T on transcript NM_001039141.3 (MANE Select); coding-DNA position 6998, C replaced by T.
Protein change: p.Thr2333Ile; replaces threonine 2333 with isoleucine.
Molecular consequence: missense variant.
Genome position (GRCh38, 1-based): chr22:37,772,662, C>T. VCF-style: chr22-37772662-C-T. GRCh37 (hg19) VCF-style: chr22-38168669-C-T.
Other names: c.1859C>T, p.Thr620Ile (NM_007032.5); short protein forms T2333I, T620I.
Identifiers: ClinVar variation 2999099 (VCV002999099.3), dbSNP rs759941661, ClinGen allele CA10225313.